The following is an entry in ClinVar:

ClinVar aggregate classification (germline): Uncertain significance (1 of 4 stars; one submission).

Submission:

CeGaT Center for Human Genetics Tuebingen
Classification: Uncertain significance. Last evaluated: 2022-08-01. Review status: criteria provided, single submitter. Criteria: CeGaT Center For Human Genetics Tuebingen Variant Classification Criteria Version 2. Collection method: clinical testing. Allele origin: germline. Affected: yes. Observed: 1 variant allele.
Comment: ARID1A: PM2, PP2, BP4

NM_006015.6(ARID1A):c.4316C>T (p.Ala1439Val)

Gene: ARID1A (AT-rich interaction domain 1A; plus strand). Cytogenetic location: 1p36.11.
Variant type: single nucleotide variant.
Coding change: c.4316C>T on transcript NM_006015.6 (MANE Select); coding-DNA position 4316, C replaced by T.
Protein change: p.Ala1439Val; replaces alanine 1439 with valine.
Molecular consequence: missense variant. On other transcripts: intron variant (1).
Genome position (GRCh38, 1-based): chr1:26,774,543, C>T. VCF-style: chr1-26774543-C-T. GRCh37 (hg19) VCF-style: chr1-27101034-C-T.
Other names: c.4102-437C>T (NM_139135.4); short protein forms A1439V.
Identifiers: ClinVar variation 2638537 (VCV002638537.24), dbSNP rs2081115430, ClinGen allele CA339174461.